The following is an entry in ClinVar:

ClinVar aggregate classification (germline): Uncertain significance. Review status: criteria provided, multiple submitters, no conflicts (2 of 4 stars). 6 submissions from 6 submitters: Uncertain significance (6). Last evaluated 2025-12-02.

Conditions:
Inborn genetic diseases. Identifiers: MedGen C0950123, MeSH D030342.
CEP164-related disorder. Also called: CEP164-related condition.
Nephronophthisis 15 (NPHP15). Identifiers: Orphanet 3156, MedGen C3541853, MONDO:0013917, OMIM 614845.

Allele frequency attached by ClinVar (database versions not stated): gnomAD exomes 0.00003 and 0.00004; ExAC 0.00004; gnomAD 0.00023 and 0.00025; TOPMed 0.00023; 1000 Genomes Project 30x 0.00031; ESP Exome Variant Server 0.00031; 1000 Genomes Project 0.00040.
gnomAD v4.1: 94 of 1,613,958 alleles (0.0058%); highest among the groups gnomAD compares: African/African-American, 0.063%; no homozygotes.

Submissions (6):

PreventionGenetics, part of Exact Sciences
Classification: Uncertain significance for CEP164-related condition. Last evaluated: 2025-12-02. Review status: criteria provided, single submitter. Criteria: ACMG Guidelines, 2015. Collection method: clinical testing. Allele origin: germline.
Comment: The CEP164 c.3904C>T variant is predicted to result in the amino acid substitution p.Pro1302Ser. To our knowledge, this variant has not been reported in the literature. This variant is reported in 0.040% of alleles in individuals of African descent in gnomAD. At this time, the clinical significance of this variant is uncertain due to the absence of conclusive functional and genetic evidence.

Ambry Genetics
Classification: Uncertain significance for Inborn genetic diseases. Last evaluated: 2025-06-24. Review status: criteria provided, single submitter. Criteria: Ambry Variant Classification Scheme 2023. Collection method: clinical testing. Allele origin: germline.

Labcorp Genetics (formerly Invitae), Labcorp
Classification: Uncertain significance for Nephronophthisis 15. Last evaluated: 2024-12-09. Review status: criteria provided, single submitter. Criteria: Invitae Variant Classification Sherloc (09022015). Collection method: clinical testing. Allele origin: germline.
Comment: This sequence change replaces proline, which is neutral and non-polar, with serine, which is neutral and polar, at codon 1302 of the CEP164 protein (p.Pro1302Ser). This variant is present in population databases (rs201430651, gnomAD 0.04%). This variant has not been reported in the literature in individuals affected with CEP164-related conditions. ClinVar contains an entry for this variant (Variation ID: 956910). Invitae Evidence Modeling of protein sequence and biophysical properties (such as structural, functional, and spatial information, amino acid conservation, physicochemical variation, residue mobility, and thermodynamic stability) indicates that this missense variant is not expected to disrupt CEP164 protein function with a negative predictive value of 80%. In summary, the available evidence is currently insufficient to determine the role of this variant in disease. Therefore, it has been classified as a Variant of Uncertain Significance.

Fulgent Genetics
Classification: Uncertain significance for Nephronophthisis 15. Last evaluated: 2024-05-24. Review status: criteria provided, single submitter. Criteria: ACMG Guidelines, 2015. Collection method: clinical testing. Allele origin: germline.

GeneDx
Classification: Uncertain significance. Last evaluated: 2024-04-23. Review status: criteria provided, single submitter. Criteria: GeneDx Variant Classification Process June 2021. Collection method: clinical testing. Allele origin: germline. Affected: yes.
Comment: In silico analysis indicates that this missense variant does not alter protein structure/function; Has not been previously published as pathogenic or benign to our knowledge

Baylor Genetics
Classification: Uncertain significance for Nephronophthisis 15. Last evaluated: 2019-08-01. Review status: criteria provided, single submitter. Criteria: ACMG Guidelines, 2015. Collection method: clinical testing. Allele origin: unknown. Affected: yes.
Comment: This variant was determined to be of uncertain significance according to ACMG Guidelines, 2015 [PMID:25741868].

NM_014956.5(CEP164):c.3904C>T (p.Pro1302Ser)

Gene: CEP164 (centrosomal protein 164; plus strand). Cytogenetic location: 11q23.3.
Variant type: single nucleotide variant.
Coding change: c.3904C>T on transcript NM_014956.5 (MANE Select); coding-DNA position 3904, C replaced by T.
Protein change: p.Pro1302Ser; replaces proline 1302 with serine.
Molecular consequence: missense variant.
Genome position (GRCh38, 1-based): chr11:117,409,773, C>T. VCF-style: chr11-117409773-C-T. GRCh37 (hg19) VCF-style: chr11-117280489-C-T.
Other names: c.3889C>T, p.Pro1297Ser (NM_001271933.2); short protein forms P1302S, P1297S.
Identifiers: ClinVar variation 956910 (VCV000956910.11), dbSNP rs201430651, ClinGen allele CA6295613.